The following is an entry in ClinVar:

ClinVar aggregate classification (germline): Uncertain significance (1 of 4 stars; one submission).

Conditions:
Hearing loss, autosomal dominant 77. Also called: DEAFNESS, AUTOSOMAL DOMINANT 77. Identifiers: MedGen C5394499, MONDO:0030058, OMIM 618915.

gnomAD v4.1: 61 of 1,614,146 alleles (0.0038%); highest among the groups gnomAD compares: East Asian, 0.11%; no homozygotes.

Submission:

Juno Genomics, Hangzhou Juno Genomics, Inc
Classification: Uncertain significance for Hearing loss, autosomal dominant 77. Review status: criteria provided, single submitter. Criteria: ACMG Guidelines, 2015. Collection method: clinical testing. Allele origin: germline.
Comment: Multiple lines of computational evidence support a deleterious effect on the gene or gene product.

NM_004996.4(ABCC1):c.726G>T (p.Trp242Cys)

Gene: ABCC1 (ATP binding cassette subfamily C member 1 (ABCC1 blood group); plus strand). Cytogenetic location: 16p13.11.
Variant type: single nucleotide variant.
Coding change: c.726G>T on transcript NM_004996.4 (MANE Select); coding-DNA position 726, G replaced by T.
Protein change: p.Trp242Cys; replaces tryptophan 242 with cysteine.
Molecular consequence: missense variant.
Genome position (GRCh38, 1-based): chr16:16,036,520, G>T. VCF-style: chr16-16036520-G-T. GRCh37 (hg19) VCF-style: chr16-16130377-G-T.
Other names: c.600G>T, p.Trp200Cys (NM_001438715.1, NM_001438719.1, NM_019901.2); c.462G>T, p.Trp154Cys (NM_001438717.1); c.588G>T, p.Trp196Cys (NM_001438718.1); c.726G>T, p.Trp242Cys (NM_001438720.1, NM_001438755.1, NM_019862.3 and 3 more transcripts); short protein forms W154C, W196C, W200C, W242C.
Identifiers: ClinVar variation 5020046 (VCV005020046.2).
Genomic context (GRCh38, chr16:16,036,520, plus strand): 5'-TCTTGGCCCCAGGTTGATTGTCCGGGGCTACCGCCAGCCCCTGGAGGGCAGTGACCTCTG[G>T]TCCTTAAACAAGGAGGACACGTCGGAACAAGTCGTGCCTGTTTTGGTAAAGAACTGGAAG-3'
Protein context (NP_004987.2, residues 232-252): YRQPLEGSDL[Trp242Cys]SLNKEDTSEQ